The following is an entry in ClinVar:

NM_001440.4(EXTL3):c.1007C>T (p.Pro336Leu)

Gene: EXTL3 (exostosin like glycosyltransferase 3; plus strand). Cytogenetic location: 8p21.1.
Variant type: single nucleotide variant.
Coding change: c.1007C>T on transcript NM_001440.4 (MANE Select); coding-DNA position 1007, C replaced by T.
Protein change: p.Pro336Leu; replaces proline 336 with leucine.
Molecular consequence: missense variant.
Genome position (GRCh38, 1-based): chr8:28,717,066, C>T. VCF-style: chr8-28717066-C-T. GRCh37 (hg19) VCF-style: chr8-28574583-C-T.
Other names: short protein forms P336L.
Identifiers: ClinVar variation 1962388 (VCV001962388.3), dbSNP rs754509210, ClinGen allele CA4696115.

ClinVar aggregate classification (germline): Uncertain significance (1 of 4 stars; one submission).

Allele frequency attached by ClinVar (database versions not stated): TOPMed below 0.00001.
gnomAD v4.1: 3 of 1,614,194 alleles (0.00019%); highest among the groups gnomAD compares: Admixed American, 0.0017%; no homozygotes.

Submission:

Labcorp Genetics (formerly Invitae), Labcorp
Classification: Uncertain significance. Last evaluated: 2022-05-14. Review status: criteria provided, single submitter. Criteria: Invitae Variant Classification Sherloc (09022015). Collection method: clinical testing. Allele origin: germline.
Comment: This variant is present in population databases (rs754509210, gnomAD 0.0009%). This sequence change replaces proline, which is neutral and non-polar, with leucine, which is neutral and non-polar, at codon 336 of the EXTL3 protein (p.Pro336Leu). This variant has not been reported in the literature in individuals affected with EXTL3-related conditions. Algorithms developed to predict the effect of missense changes on protein structure and function are either unavailable or do not agree on the potential impact of this missense change (SIFT: "Deleterious"; PolyPhen-2: "Probably Damaging"; Align-GVGD: "Class C0"). In summary, the available evidence is currently insufficient to determine the role of this variant in disease. Therefore, it has been classified as a Variant of Uncertain Significance.